The following is an entry in ClinVar:

ClinVar aggregate classification (germline): Uncertain significance (1 of 4 stars; one submission).

Conditions:
Familial thoracic aortic aneurysm and aortic dissection (TAAD). Also called: Thoracic aortic aneurysms and dissections. Identifiers: Orphanet 91387, MedGen C4707243, MONDO:0019625.

Submission:

Labcorp Genetics (formerly Invitae), Labcorp
Classification: Uncertain significance for Familial thoracic aortic aneurysm and aortic dissection. Last evaluated: 2024-05-01. Review status: criteria provided, single submitter. Criteria: Invitae Variant Classification Sherloc (09022015). Collection method: clinical testing. Allele origin: germline.
Comment: This sequence change creates a premature translational stop signal (p.Lys196*) in the TGFBR2 gene. It is expected to result in an absent or disrupted protein product. However, the current clinical and genetic evidence is not sufficient to establish whether loss-of-function variants in TGFBR2 cause disease. This variant is not present in population databases (gnomAD no frequency). This variant has not been reported in the literature in individuals affected with TGFBR2-related conditions. In summary, the available evidence is currently insufficient to determine the role of this variant in disease. Therefore, it has been classified as a Variant of Uncertain Significance.

NM_003242.6(TGFBR2):c.586A>T (p.Lys196Ter)

Gene: TGFBR2 (transforming growth factor beta receptor 2; plus strand). Cytogenetic location: 3p24.1.
Variant type: single nucleotide variant.
Coding change: c.586A>T on transcript NM_003242.6 (MANE Select); coding-DNA position 586, A replaced by T.
Protein change: p.Lys196Ter; replaces lysine 196 with a stop codon.
Molecular consequence: nonsense. On other transcripts: intron variant (1).
Genome position (GRCh38, 1-based): chr3:30,671,769, A>T. VCF-style: chr3-30671769-A-T. GRCh37 (hg19) VCF-style: chr3-30713261-A-T.
Other names: c.661A>T, p.Lys221Ter (NM_001024847.3); c.769A>T, p.Lys257Ter (NM_001407126.1); c.694A>T, p.Lys232Ter (NM_001407127.1); c.613A>T, p.Lys205Ter (NM_001407128.1); c.589A>T, p.Lys197Ter (NM_001407129.1); c.586A>T, p.Lys196Ter (NM_001407130.1); c.481A>T, p.Lys161Ter (NM_001407132.1, NM_001407133.1, NM_001407134.1 and 2 more transcripts); c.301A>T, p.Lys101Ter (NM_001407137.1); and 2 more; short protein forms K101*, K232*, K76*, K196*, K197*, K205*, K221*, K257*.
Identifiers: ClinVar variation 3645769 (VCV003645769.2).